The following is an entry in ClinVar:

NM_177438.3(DICER1):c.2587C>T (p.Pro863Ser)

Gene: DICER1 (dicer 1, ribonuclease III; minus strand). Cytogenetic location: 14q32.13.
Variant type: single nucleotide variant.
Coding change: c.2587C>T on transcript NM_177438.3 (MANE Select); coding-DNA position 2587, C replaced by T.
Protein change: p.Pro863Ser; replaces proline 863 with serine.
Molecular consequence: missense variant.
Genome position (GRCh38, 1-based): chr14:95,107,943, G>A on the plus strand (C>T on the coding strand, the complement: DICER1 is on the minus strand). VCF-style: chr14-95107943-G-A. GRCh37 (hg19) VCF-style: chr14-95574280-G-A.
Other names: c.2587C>T, p.Pro863Ser (NM_001195573.1, NM_001271282.3, NM_001291628.2 and 1 more transcripts); short protein forms P863S.
Identifiers: ClinVar variation 654551 (VCV000654551.10), dbSNP rs1595380292, ClinGen allele CA390881520.
Genomic context (GRCh38, chr14:95,107,943, plus strand): 5'-CATTAAGAGGTAGAACACAGTATGCTGAATCAGCGTCTGTAGGTTTAAATTCTAGTGCAG[G>A]TTTTTCAAGCCGAAGAATATGTGAGAATATATACTGGTGAAGTCTTGTAATCAACTCAAG-3'
Protein context (NP_803187.1, residues 853-873): IFSHILRLEK[Pro863Ser]ALEFKPTDAD

ClinVar aggregate classification (germline): Uncertain significance (1 of 4 stars; one submission).

Conditions:
DICER1-related tumor predisposition. Also called: DICER1 syndrome; DICER1-related pleuropulmonary blastoma cancer predisposition syndrome. Identifiers: Orphanet 284343, MedGen C3839822, MONDO:0100216.

Submission:

Labcorp Genetics (formerly Invitae), Labcorp
Classification: Uncertain significance for DICER1-related tumor predisposition. Last evaluated: 2022-05-19. Review status: criteria provided, single submitter. Criteria: Invitae Variant Classification Sherloc (09022015). Collection method: clinical testing. Allele origin: germline.
Comment: This sequence change replaces proline, which is neutral and non-polar, with serine, which is neutral and polar, at codon 863 of the DICER1 protein (p.Pro863Ser). Algorithms developed to predict the effect of missense changes on protein structure and function are either unavailable or do not agree on the potential impact of this missense change (SIFT: "Tolerated"; PolyPhen-2: "Probably Damaging"; Align-GVGD: "Class C0"). This variant is not present in population databases (gnomAD no frequency). This variant has not been reported in the literature in individuals affected with DICER1-related conditions. ClinVar contains an entry for this variant (Variation ID: 654551). In summary, the available evidence is currently insufficient to determine the role of this variant in disease. Therefore, it has been classified as a Variant of Uncertain Significance.